The following is an entry in ClinVar:

ClinVar aggregate classification (germline): Uncertain significance (1 of 4 stars; one submission).

Conditions:
Cardiovascular phenotype. Identifiers: MedGen CN230736.

Submission:

Ambry Genetics
Classification: Uncertain significance for Cardiovascular phenotype. Last evaluated: 2025-09-21. Review status: criteria provided, single submitter. Criteria: Ambry Variant Classification Scheme 2023. Collection method: clinical testing. Allele origin: germline.
Comment: The p.E573K variant (also known as c.1717G>A), located in coding exon 10 of the LDB3 gene, results from a G to A substitution at nucleotide position 1717. The glutamic acid at codon 573 is replaced by lysine, an amino acid with similar properties. This amino acid position is conserved. In addition, this alteration is predicted to be deleterious by in silico analysis. Based on the available evidence, the clinical significance of this variant remains unclear.

NM_007078.3(LDB3):c.1717G>A (p.Glu573Lys)

Gene: LDB3 (LIM domain binding 3; plus strand). Cytogenetic location: 10q23.2.
Variant type: single nucleotide variant.
Coding change: c.1717G>A on transcript NM_007078.3 (MANE Select); coding-DNA position 1717, G replaced by A.
Protein change: p.Glu573Lys; replaces glutamic acid 573 with lysine.
Molecular consequence: missense variant.
Genome position (GRCh38, 1-based): chr10:86,718,004, G>A. VCF-style: chr10-86718004-G-A. GRCh37 (hg19) VCF-style: chr10-88477761-G-A.
Other names: c.1387G>A, p.Glu463Lys (NM_001080114.2); c.1732G>A, p.Glu578Lys (NM_001171610.2); c.1528G>A, p.Glu510Lys (NM_001368064.1, NM_001368065.1); c.1576G>A, p.Glu526Lys (NM_001368066.1); short protein forms E526K, E463K, E573K, E510K, E578K.
Identifiers: ClinVar variation 4614489 (VCV004614489.1).
Genomic context (GRCh38, chr10:86,718,004, plus strand): 5'-GCCATTCTGTGCTTCCCCAGGGGCCCATTTCTGGTAGCCATGGGCCGTTCTTGGCACCCT[G>A]AAGAGTTCACCTGTGCCTACTGCAAGACTTCCCTGGCAGATGTGTGCTTTGTGGAAGAGC-3'
Protein context (NP_009009.1, residues 563-583): LVAMGRSWHP[Glu573Lys]EFTCAYCKTS